The following is an entry in ClinVar:

ClinVar aggregate classification (germline): Uncertain significance (1 of 4 stars; one submission).

Conditions:
Ataxia-telangiectasia syndrome (AT). Also called: LOUIS-BAR SYNDROME; Cerebello-oculocutaneous telangiectasia; Immunodeficiency with ataxia telangiectasia; Ataxia-telangiectasia, complementation group D; AT, COMPLEMENTATION GROUP C; Ataxia-telangiectasia, complementation group E. Identifiers: Orphanet 100, MedGen C0004135, MONDO:0008840, OMIM 208900.

Allele frequency attached by ClinVar (database versions not stated): gnomAD exomes below 0.00001.
gnomAD v4.1: 3 of 1,614,054 alleles (0.00019%); highest among the groups gnomAD compares: Non-Finnish European, 0.00017%; no homozygotes.

Submission:

Labcorp Genetics (formerly Invitae), Labcorp
Classification: Uncertain significance for Ataxia-telangiectasia syndrome. Last evaluated: 2024-05-15. Review status: criteria provided, single submitter. Criteria: Invitae Variant Classification Sherloc (09022015). Collection method: clinical testing. Allele origin: germline.
Comment: This sequence change replaces asparagine, which is neutral and polar, with aspartic acid, which is acidic and polar, at codon 2565 of the ATM protein (p.Asn2565Asp). This variant is not present in population databases (gnomAD no frequency). This variant has not been reported in the literature in individuals affected with ATM-related conditions. ClinVar contains an entry for this variant (Variation ID: 453700). An algorithm developed to predict the effect of missense changes on protein structure and function (PolyPhen-2) suggests that this variant is likely to be disruptive. In summary, the available evidence is currently insufficient to determine the role of this variant in disease. Therefore, it has been classified as a Variant of Uncertain Significance.

NM_000051.4(ATM):c.7693A>G (p.Asn2565Asp)

Genes: ATM (ATM serine/threonine kinase; plus strand), C11orf65 (chromosome 11 open reading frame 65; minus strand). Cytogenetic location: 11q22.3.
Variant type: single nucleotide variant.
Coding change: c.7693A>G on transcript NM_000051.4 (MANE Select); coding-DNA position 7693, A replaced by G.
Protein change: p.Asn2565Asp; replaces asparagine 2565 with aspartic acid.
Molecular consequence: missense variant. On other transcripts: intron variant (2).
Genome position (GRCh38, 1-based): chr11:108,331,942, A>G. VCF-style: chr11-108331942-A-G. GRCh37 (hg19) VCF-style: chr11-108202669-A-G.
Other names: c.7693A>G, p.Asn2565Asp (NM_001351834.2); c.641-22871T>C (NM_001330368.2); c.*38+3278T>C (NM_001351110.2); short protein forms N2565D.
Identifiers: ClinVar variation 453700 (VCV000453700.10), dbSNP rs1555124543, ClinGen allele CA382561019.